The following is an entry in ClinVar:

NM_015386.3(COG4):c.2106+4A>G

Gene: COG4 (component of oligomeric golgi complex 4; minus strand). Cytogenetic location: 16q22.1.
Variant type: single nucleotide variant.
Coding change: c.2106+4A>G on transcript NM_015386.3 (MANE Select); 4 bases into the intron after coding-DNA position 2106, A replaced by G.
Molecular consequence: intron variant.
Genome position (GRCh38, 1-based): chr16:70,481,760, T>C on the plus strand (A>G on the coding strand, the complement: COG4 is on the minus strand). VCF-style: chr16-70481760-T-C. GRCh37 (hg19) VCF-style: chr16-70515663-T-C.
Other names: c.2031+4A>G (NM_001195139.2); c.1680+4A>G (NM_001365426.1).
Identifiers: ClinVar variation 2790686 (VCV002790686.3), dbSNP rs2507464454, ClinGen allele CA2739266878.

ClinVar aggregate classification (germline): Uncertain significance (1 of 4 stars; one submission).

Conditions:
COG4-congenital disorder of glycosylation. Also called: CONGENITAL DISORDER OF GLYCOSYLATION, TYPE IIj; CDG IIj; COG4-CDG. Identifiers: Orphanet 263501, MedGen C4303552, MONDO:0013281, OMIM 613489.

Submission:

Labcorp Genetics (formerly Invitae), Labcorp
Classification: Uncertain significance for COG4-congenital disorder of glycosylation. Last evaluated: 2024-01-18. Review status: criteria provided, single submitter. Criteria: Invitae Variant Classification Sherloc (09022015). Collection method: clinical testing. Allele origin: germline.
Comment: This sequence change falls in intron 17 of the COG4 gene. It does not directly change the encoded amino acid sequence of the COG4 protein. It affects a nucleotide within the consensus splice site. This variant is not present in population databases (gnomAD no frequency). This variant has not been reported in the literature in individuals affected with COG4-related conditions. Variants that disrupt the consensus splice site are a relatively common cause of aberrant splicing (PMID: 17576681, 9536098). Algorithms developed to predict the effect of sequence changes on RNA splicing suggest that this variant is not likely to affect RNA splicing. In summary, the available evidence is currently insufficient to determine the role of this variant in disease. Therefore, it has been classified as a Variant of Uncertain Significance.

Literature cited by the submitters: PubMed 17576681; PubMed 9536098.